The following is an entry in ClinVar:

NM_001379110.1(SLC9A6):c.-57+21G>A

Genes: SLC9A6 (solute carrier family 9 member A6; plus strand), LOC130068746 (ATAC-STARR-seq lymphoblastoid silent region 21025; plus strand). Cytogenetic location: Xq26.3.
Variant type: single nucleotide variant.
Coding change: c.-57+21G>A on transcript NM_001379110.1 (MANE Select); 21 bases into the intron after 57 bases upstream of the start codon, G replaced by A.
Molecular consequence: intron variant. On other transcripts: 5 prime UTR variant (2).
Genome position (GRCh38, 1-based): chrX:135,985,498, G>A. VCF-style: chrX-135985498-G-A. GRCh37 (hg19) VCF-style: chrX-135067657-G-A.
Other names: c.-5G>A (NM_001042537.2, NM_006359.3); c.-57+21G>A (NM_001177651.2); c.-57+26G>A (NM_001330652.2).
Identifiers: ClinVar variation 1313989 (VCV001313989.2), dbSNP rs1377828374, ClinGen allele CA644596964.

ClinVar aggregate classification (germline): Uncertain significance (1 of 4 stars; one submission).

Submission:

GeneDx
Classification: Uncertain significance. Last evaluated: 2021-01-12. Review status: criteria provided, single submitter. Criteria: GeneDx Variant Classification Process June 2021. Collection method: clinical testing. Allele origin: germline. Affected: yes.
Comment: Nucleotide substitution has no predicted effect on splicing and is not conserved across species; Variant alters a position that is not conserved in the Kozak sequence, which plays a role in the initiation of protein translation.; Has not been previously published as pathogenic or benign to our knowledge